The following is an entry in ClinVar:

NM_001318895.3(FHL2):c.86T>C (p.Val29Ala)

Gene: FHL2 (four and a half LIM domains 2; minus strand). Cytogenetic location: 2q12.2.
Variant type: single nucleotide variant.
Coding change: c.86T>C on transcript NM_001318895.3 (MANE Select); coding-DNA position 86, T replaced by C.
Protein change: p.Val29Ala; replaces valine 29 with alanine.
Molecular consequence: missense variant. On other transcripts: 5 prime UTR variant (3).
Genome position (GRCh38, 1-based): chr2:105,386,431, A>G on the plus strand (T>C on the coding strand, the complement: FHL2 is on the minus strand). VCF-style: chr2-105386431-A-G. GRCh37 (hg19) VCF-style: chr2-106002888-A-G.
Other names: c.86T>C, p.Val29Ala (NM_001039492.3, NM_001318894.1, NM_001318896.2 and 4 more transcripts); c.-82T>C (NM_001318897.2, NM_001318898.2); c.-361T>C (NM_001318899.2); c.86T>C (NM_201555.1); short protein forms V29A.
Identifiers: ClinVar variation 2065514 (VCV002065514.5), dbSNP rs898313629, ClinGen allele CA53425302.

ClinVar aggregate classification (germline): Uncertain significance. Review status: criteria provided, multiple submitters, no conflicts (2 of 4 stars). 2 submissions from 2 submitters: Uncertain significance (2). Last evaluated 2025-10-13.

Conditions:
Primary dilated cardiomyopathy (DCM). Also called: Dilated Cardiomyopathy. Identifiers: Orphanet 217604, MedGen C0007193, MeSH D002311, MONDO:0005021, HP:0001644. Inheritance: Various modes of inheritance.

Allele frequency attached by ClinVar (database versions not stated): gnomAD exomes below 0.00001; gnomAD 0.00001; TOPMed 0.00002.

Submissions (2):

Labcorp Genetics (formerly Invitae), Labcorp
Classification: Uncertain significance for Primary dilated cardiomyopathy. Last evaluated: 2025-10-13. Review status: criteria provided, single submitter. Criteria: Invitae Variant Classification Sherloc (09022015). Collection method: clinical testing. Allele origin: germline.
Comment: This sequence change replaces valine, which is neutral and non-polar, with alanine, which is neutral and non-polar, at codon 29 of the FHL2 protein (p.Val29Ala). This variant is not present in population databases (gnomAD no frequency). This variant has not been reported in the literature in individuals affected with FHL2-related conditions. ClinVar contains an entry for this variant (Variation ID: 2065514). An algorithm developed to predict the effect of missense changes on protein structure and function (PolyPhen-2) suggests that this variant is likely to be tolerated. In summary, the available evidence is currently insufficient to determine the role of this variant in disease. Therefore, it has been classified as a Variant of Uncertain Significance.

Ambry Genetics
Classification: Uncertain significance. Last evaluated: 2024-09-02. Review status: criteria provided, single submitter. Criteria: Ambry Variant Classification Scheme 2023. Collection method: clinical testing. Allele origin: germline.